The following is an entry in ClinVar:

ClinVar aggregate classification (germline): Likely benign. Review status: criteria provided, single submitter (1 of 4 stars). 2 submissions from 2 submitters: Likely benign (1). 1 of the submissions does not count toward it. Last evaluated 2026-02-01.

Conditions:
VPS13B-related disorder. Also called: VPS13B-related condition.
Cohen syndrome (COH1). Also called: Cutis verticis gyrata, retinitis pigmentosa, and sensorineural deafness; PEPPER SYNDROME. Identifiers: Orphanet 193, MedGen C0265223, MONDO:0008999, OMIM 216550.

Allele frequency attached by ClinVar (database versions not stated): ExAC 0.00001; gnomAD 0.00003; TOPMed 0.00004.
gnomAD v4.1: 29 of 1,614,146 alleles (0.0018%); highest among the groups gnomAD compares: Middle Eastern, 0.016%; no homozygotes.

Submissions (2):

Labcorp Genetics (formerly Invitae), Labcorp
Classification: Likely benign for Cohen syndrome. Last evaluated: 2026-02-01. Review status: criteria provided, single submitter. Criteria: Invitae Variant Classification Sherloc (09022015). Collection method: clinical testing. Allele origin: germline.

PreventionGenetics, part of Exact Sciences
Classification: Likely benign for VPS13B-related condition. Last evaluated: 2021-11-10. Review status: no assertion criteria provided. Collection method: clinical testing. Allele origin: germline. Not counted in ClinVar's aggregate classification.
Comment: This variant is classified as likely benign based on ACMG/AMP sequence variant interpretation guidelines (Richards et al. 2015 PMID: 25741868, with internal and published modifications).

NM_152564.5(VPS13B):c.10533A>G (p.Thr3511=)

Gene: VPS13B (vacuolar protein sorting 13 homolog B; plus strand). Cytogenetic location: 8q22.2.
Variant type: single nucleotide variant.
Coding change: c.10533A>G on transcript NM_152564.5 (MANE Select); coding-DNA position 10533, A replaced by G.
Protein change: p.Thr3511=; no amino-acid change (threonine 3511 retained).
Molecular consequence: synonymous variant.
Genome position (GRCh38, 1-based): chr8:99,853,922, A>G. VCF-style: chr8-99853922-A-G. GRCh37 (hg19) VCF-style: chr8-100866150-A-G.
Other names: c.10608A>G, p.Thr3536= (NM_017890.5); c.10533A>G (NM_152564.4).
Identifiers: ClinVar variation 1091736 (VCV001091736.11), dbSNP rs763725361, ClinGen allele CA4824965.